The following is an entry in ClinVar:

NM_001267550.2(TTN):c.1914A>G (p.Glu638=)

Gene: TTN (titin; minus strand). Cytogenetic location: 2q31.2.
Variant type: single nucleotide variant.
Coding change: c.1914A>G on transcript NM_001267550.2 (MANE Select); coding-DNA position 1914, A replaced by G.
Protein change: p.Glu638=; no amino-acid change (glutamic acid 638 retained).
Molecular consequence: synonymous variant.
Genome position (GRCh38, 1-based): chr2:178,790,002, T>C on the plus strand (A>G on the coding strand, the complement: TTN is on the minus strand). VCF-style: chr2-178790002-T-C. GRCh37 (hg19) VCF-style: chr2-179654729-T-C.
Other names: c.1776A>G, p.Glu592= (NM_003319.4, NM_133432.3, NM_133437.4); c.1914A>G, p.Glu638= (NM_133379.5, NM_001256850.1, NM_133378.4).
Identifiers: ClinVar variation 179181 (VCV000179181.59), dbSNP rs727504691, ClinGen allele CA183888.

ClinVar aggregate classification (germline): Likely benign. Review status: criteria provided, multiple submitters, no conflicts (2 of 4 stars). 6 submissions from 6 submitters: Likely benign (6). Last evaluated 2026-09-12.

Conditions:
Cardiovascular phenotype. Identifiers: MedGen CN230736.
TTN-related disorder. Also called: TTN-related disorders; TTN-related condition; TTN-related disease.
Dilated cardiomyopathy 1G (CMD1G). Identifiers: Orphanet 154, MedGen C1858763, MONDO:0011400, OMIM 604145.
Autosomal recessive limb-girdle muscular dystrophy type 2J (LGMDR10). Also called: Limb-girdle muscular dystrophy, type 2J; MUSCULAR DYSTROPHY, LIMB-GIRDLE, AUTOSOMAL RECESSIVE 10. Identifiers: Orphanet 140922, MedGen C1837342, MONDO:0012127, OMIM 608807.

Allele frequency attached by ClinVar (database versions not stated): gnomAD exomes 0.00002 and 0.00004; TOPMed 0.00002; gnomAD 0.00003 and 0.00004; ExAC 0.00005.
gnomAD v4.1: 28 of 1,613,002 alleles (0.0017%); highest among the groups gnomAD compares: Non-Finnish European, 0.0023%; no homozygotes.

Submissions (6):

PreventionGenetics, part of Exact Sciences
Classification: Likely benign for TTN-related condition. Last evaluated: 2026-09-12. Review status: criteria provided, single submitter. Criteria: ACMG Guidelines, 2015. Collection method: clinical testing. Allele origin: germline.
Comment: This variant is classified as likely benign based on ACMG/AMP sequence variant interpretation guidelines (Richards et al. 2015 PMID: 25741868, with internal and published modifications).

Labcorp Genetics (formerly Invitae), Labcorp
Classification: Likely benign for Dilated cardiomyopathy 1G; Autosomal recessive limb-girdle muscular dystrophy type 2J. Last evaluated: 2025-09-06. Review status: criteria provided, single submitter. Criteria: Invitae Variant Classification Sherloc (09022015). Collection method: clinical testing. Allele origin: germline.

Ambry Genetics
Classification: Likely benign for Cardiovascular phenotype. Last evaluated: 2022-05-20. Review status: criteria provided, single submitter. Criteria: Ambry Variant Classification Scheme 2023. Collection method: clinical testing. Allele origin: germline.

GeneDx
Classification: Likely benign. Last evaluated: 2019-10-22. Review status: criteria provided, single submitter. Criteria: GeneDx Variant Classification Process June 2021. Collection method: clinical testing. Allele origin: germline. Affected: yes.

CeGaT Center for Human Genetics Tuebingen
Classification: Likely benign. Last evaluated: 2019-03-01. Review status: criteria provided, single submitter. Criteria: CeGaT Center For Human Genetics Tuebingen Variant Classification Criteria Version 2. Collection method: clinical testing. Allele origin: germline. Affected: yes. Observed: 1 variant allele.

Laboratory for Molecular Medicine, Mass General Brigham Personalized Medicine
Classification: Likely benign. Last evaluated: 2013-08-23. Review status: criteria provided, single submitter. Criteria: LMM Criteria. Collection method: clinical testing. Allele origin: germline. Observed: 1 variant allele.
Comment: Glu638Glu in exon 12 of TTN: This variant is not expected to have clinical signi ficance because it does not alter an amino acid residue and is not located withi n the splice consensus sequence. Glu638Glu in exon 12 of TTN (allele frequency = n/a)